The following is an entry in ClinVar:

NM_022124.6(CDH23):c.1700_1701del (p.Val567fs)

Gene: CDH23 (cadherin related 23; plus strand). Cytogenetic location: 10q22.1.
Variant type: Deletion.
Coding change: c.1700_1701del on transcript NM_022124.6 (MANE Select); coding-DNA positions 1700 to 1701, 2 bases deleted (TG; older notation c.1700_1701delTG).
Protein change: p.Val567fs; shifts the reading frame from valine 567.
Molecular consequence: frameshift variant.
Genome position (GRCh38, 1-based): chr10:71,677,641-71,677,642, TG deleted; deleting any 2 consecutive bases within chr10:71,677,640-71,677,642 gives the same sequence; the c. name uses the placement nearest the transcript's 3' end. VCF-style (leftmost placement, unchanged base first): chr10-71677639-CGT-C. GRCh37 (hg19) VCF-style: chr10-73437396-CGT-C.
Other names: c.1700_1701del, p.Val567fs (NM_001171930.2, NM_001171931.2); short protein forms V567fs.
Identifiers: ClinVar variation 1456114 (VCV001456114.5), dbSNP rs1184309321, ClinGen allele CA594705733.

ClinVar aggregate classification (germline): Pathogenic (1 of 4 stars; one submission).

Submission:

Labcorp Genetics (formerly Invitae), Labcorp
Classification: Pathogenic. Last evaluated: 2023-08-09. Review status: criteria provided, single submitter. Criteria: Invitae Variant Classification Sherloc (09022015). Collection method: clinical testing. Allele origin: germline.
Comment: This variant is present in population databases (no rsID available, gnomAD 0.02%). For these reasons, this variant has been classified as Pathogenic. ClinVar contains an entry for this variant (Variation ID: 1456114). This variant has not been reported in the literature in individuals affected with CDH23-related conditions. This sequence change creates a premature translational stop signal (p.Val567Glyfs*21) in the CDH23 gene. It is expected to result in an absent or disrupted protein product. Loss-of-function variants in CDH23 are known to be pathogenic (PMID: 11138009, 21940737).

Literature cited by the submitters: PubMed 11138009; PubMed 21940737.